The following is an entry in ClinVar:

NM_000098.3(CPT2):c.1475C>T (p.Ala492Val)

Gene: CPT2 (carnitine palmitoyltransferase 2; plus strand). Cytogenetic location: 1p32.3.
Variant type: single nucleotide variant.
Coding change: c.1475C>T on transcript NM_000098.3 (MANE Select); coding-DNA position 1475, C replaced by T.
Protein change: p.Ala492Val; replaces alanine 492 with valine.
Molecular consequence: missense variant.
Genome position (GRCh38, 1-based): chr1:53,211,149, C>T. VCF-style: chr1-53211149-C-T. GRCh37 (hg19) VCF-style: chr1-53676821-C-T.
Other names: c.1475C>T, p.Ala492Val (NM_001330589.2); short protein forms A492V.
Identifiers: ClinVar variation 2131896 (VCV002131896.4), dbSNP rs2525590394, ClinGen allele CA340396518.

ClinVar aggregate classification (germline): Uncertain significance (1 of 4 stars; one submission).

Conditions:
Carnitine palmitoyltransferase II deficiency. Also called: Carnitine Palmitoyltransferase 2 Deficiency. Identifiers: Orphanet 157, MedGen C0342790, MONDO:0015515.

Submission:

Labcorp Genetics (formerly Invitae), Labcorp
Classification: Uncertain significance for Carnitine palmitoyltransferase II deficiency. Last evaluated: 2022-04-29. Review status: criteria provided, single submitter. Criteria: Invitae Variant Classification Sherloc (09022015). Collection method: clinical testing. Allele origin: germline.
Comment: This sequence change replaces alanine, which is neutral and non-polar, with valine, which is neutral and non-polar, at codon 492 of the CPT2 protein (p.Ala492Val). This variant is not present in population databases (gnomAD no frequency). This variant has not been reported in the literature in individuals affected with CPT2-related conditions. Advanced modeling of protein sequence and biophysical properties (such as structural, functional, and spatial information, amino acid conservation, physicochemical variation, residue mobility, and thermodynamic stability) performed at Invitae indicates that this missense variant is not expected to disrupt CPT2 protein function. In summary, the available evidence is currently insufficient to determine the role of this variant in disease. Therefore, it has been classified as a Variant of Uncertain Significance.